The following is an entry in ClinVar:

ClinVar aggregate classification (germline): Uncertain significance. Review status: criteria provided, multiple submitters, no conflicts (2 of 4 stars). 3 submissions from 3 submitters: Uncertain significance (3). Last evaluated 2025-10-27.

Conditions:
Cerebral palsy, spastic quadriplegic, 2 (CPSQ2). Identifiers: Orphanet 210141, MedGen C2752061, MONDO:0013033, OMIM 612900.

Allele frequency attached by ClinVar (database versions not stated): gnomAD exomes below 0.00001 and 0.00001; ExAC 0.00002; TOPMed 0.00002.
gnomAD v4.1: 3 of 1,614,196 alleles (0.00019%); highest among the groups gnomAD compares: Admixed American, 0.0017%; no homozygotes.

Submissions (3):

Labcorp Genetics (formerly Invitae), Labcorp
Classification: Uncertain significance. Last evaluated: 2025-10-27. Review status: criteria provided, single submitter. Criteria: Invitae Variant Classification Sherloc (09022015). Collection method: clinical testing. Allele origin: germline.
Comment: This sequence change replaces glutamine, which is neutral and polar, with histidine, which is basic and polar, at codon 362 of the KANK1 protein (p.Gln362His). This variant is present in population databases (rs747879222, gnomAD 0.002%). This variant has not been reported in the literature in individuals affected with KANK1-related conditions. ClinVar contains an entry for this variant (Variation ID: 1027945). Invitae Evidence Modeling of protein sequence and biophysical properties (such as structural, functional, and spatial information, amino acid conservation, physicochemical variation, residue mobility, and thermodynamic stability) has been performed for this missense variant. However, the output from this modeling did not meet the statistical confidence thresholds required to predict the impact of this variant on KANK1 protein function. In summary, the available evidence is currently insufficient to determine the role of this variant in disease. Therefore, it has been classified as a Variant of Uncertain Significance.

Ambry Genetics
Classification: Uncertain significance. Last evaluated: 2025-03-05. Review status: criteria provided, single submitter. Criteria: Ambry Variant Classification Scheme 2023. Collection method: clinical testing. Allele origin: germline.

Baylor Genetics
Classification: Uncertain significance for Cerebral palsy, spastic quadriplegic, 2. Last evaluated: 2020-09-19. Review status: criteria provided, single submitter. Criteria: ACMG Guidelines, 2015. Collection method: clinical testing. Allele origin: unknown. Affected: yes.
Comment: This variant was determined to be of uncertain significance according to ACMG Guidelines, 2015 [PMID:25741868].

NM_015158.5(KANK1):c.1086G>C (p.Gln362His)

Gene: KANK1 (KN motif and ankyrin repeat domains 1; plus strand). Cytogenetic location: 9p24.3.
Variant type: single nucleotide variant.
Coding change: c.1086G>C on transcript NM_015158.5 (MANE Select); coding-DNA position 1086, G replaced by C.
Protein change: p.Gln362His; replaces glutamine 362 with histidine.
Molecular consequence: missense variant. On other transcripts: non-coding transcript variant (1).
Genome position (GRCh38, 1-based): chr9:711,852, G>C. VCF-style: chr9-711852-G-C. GRCh37 (hg19) VCF-style: chr9-711852-G-C.
Other names: c.1086G>C (NM_015158.2); c.1086G>C, p.Gln362His (NM_001256876.3, NM_001256877.3, NM_001354331.2 and 2 more transcripts); c.612G>C, p.Gln204His (NM_001354333.2, NM_001354335.2, NM_001354336.2 and 9 more transcripts); short protein forms Q362H, Q204H.
Identifiers: ClinVar variation 1027945 (VCV001027945.6), dbSNP rs747879222, ClinGen allele CA4960117.